The following is an entry in ClinVar:

ClinVar aggregate classification (germline): Uncertain significance (1 of 4 stars; one submission).

Conditions:
Nephronophthisis. Also called: Juvenile Nephronophthisis. Identifiers: Orphanet 655, MedGen C0687120, MONDO:0019005, HP:0000090.

Allele frequency attached by ClinVar (database versions not stated): gnomAD exomes below 0.00001.
gnomAD v4.1: 4 of 1,614,078 alleles (0.00025%); highest among the groups gnomAD compares: Non-Finnish European, 0.00034%; no homozygotes.

Submission:

Labcorp Genetics (formerly Invitae), Labcorp
Classification: Uncertain significance for Nephronophthisis. Last evaluated: 2021-02-22. Review status: criteria provided, single submitter. Criteria: Invitae Variant Classification Sherloc (09022015). Collection method: clinical testing. Allele origin: germline.
Comment: In summary, the available evidence is currently insufficient to determine the role of this variant in disease. Therefore, it has been classified as a Variant of Uncertain Significance. Nucleotide substitutions within the consensus splice site are a relatively common cause of aberrant splicing (PMID: 17576681, 9536098). Algorithms developed to predict the effect of sequence changes on RNA splicing suggest that this variant may disrupt the consensus splice site, but this prediction has not been confirmed by published transcriptional studies. This variant has not been reported in the literature in individuals with INVS-related conditions. This variant is not present in population databases (ExAC no frequency). This sequence change falls in intron 3 of the INVS gene. It does not directly change the encoded amino acid sequence of the INVS protein. It affects a nucleotide within the consensus splice site of the intron.

Literature cited by the submitters: PubMed 17576681; PubMed 9536098.

NM_014425.5(INVS):c.273+5G>A

Gene: INVS (inversin; plus strand). Cytogenetic location: 9q31.1.
Variant type: single nucleotide variant.
Coding change: c.273+5G>A on transcript NM_014425.5 (MANE Select); 5 bases into the intron after coding-DNA position 273, G replaced by A.
Molecular consequence: intron variant.
Genome position (GRCh38, 1-based): chr9:100,126,554, G>A. VCF-style: chr9-100126554-G-A. GRCh37 (hg19) VCF-style: chr9-102888836-G-A.
Other names: c.-104+5G>A (NM_001318381.2); c.-717+5G>A (NM_001318382.2).
Identifiers: ClinVar variation 1448741 (VCV001448741.4), dbSNP rs1195767279, ClinGen allele CA589585252.